The following is an entry in ClinVar:

NM_000440.3(PDE6A):c.1620+1G>A

Gene: PDE6A (phosphodiesterase 6A; minus strand). Cytogenetic location: 5q32.
Variant type: single nucleotide variant.
Coding change: c.1620+1G>A on transcript NM_000440.3 (MANE Select); the canonical splice donor site of the intron after coding-DNA position 1620, G replaced by A.
Molecular consequence: splice donor variant.
Genome position (GRCh38, 1-based): chr5:149,896,355, C>T on the plus strand (G>A on the coding strand, the complement: PDE6A is on the minus strand). VCF-style: chr5-149896355-C-T. GRCh37 (hg19) VCF-style: chr5-149275918-C-T.
Other names: c.1377+1G>A (NM_001410788.1).
Identifiers: ClinVar variation 636054 (VCV000636054.12), dbSNP rs781377291, ClinGen allele CA3504626.

ClinVar aggregate classification (germline): Pathogenic. Review status: criteria provided, multiple submitters, no conflicts (2 of 4 stars). 3 submissions from 3 submitters: Pathogenic (2). 1 of the submissions does not count toward it. Last evaluated 2025-03-07.

Conditions:
Retinitis pigmentosa (RP). Identifiers: Orphanet 791, MedGen C0035334, MeSH D012174, MONDO:0019200, OMIM 268000. Inheritance: Autosomal dominant, autosomal recessive and X linked inheritance.
PDE6A-related disorder. Also called: PDE6A-related condition.

Allele frequency attached by ClinVar (database versions not stated): gnomAD exomes 0.00001 and 0.00002; ExAC 0.00002.
gnomAD v4.1: 21 of 1,611,608 alleles (0.0013%); highest among the groups gnomAD compares: Non-Finnish European, 0.0017%; no homozygotes.

Submissions (3):

Labcorp Genetics (formerly Invitae), Labcorp
Classification: Pathogenic. Last evaluated: 2025-03-07. Review status: criteria provided, single submitter. Criteria: Invitae Variant Classification Sherloc (09022015). Collection method: clinical testing. Allele origin: germline.
Comment: This sequence change affects a donor splice site in intron 12 of the PDE6A gene. It is expected to disrupt RNA splicing. Variants that disrupt the donor or acceptor splice site typically lead to a loss of protein function (PMID: 16199547), and loss-of-function variants in PDE6A are known to be pathogenic (PMID: 7493036, 22128245, 23847139). This variant is present in population databases (rs781377291, gnomAD 0.0009%). Disruption of this splice site has been observed in individuals with retinitis pigmentosa (PMID: 26806561, 30718709). ClinVar contains an entry for this variant (Variation ID: 636054). Algorithms developed to predict the effect of sequence changes on RNA splicing suggest that this variant may disrupt the consensus splice site. For these reasons, this variant has been classified as Pathogenic.

Blueprint Genetics
Classification: Pathogenic for PDE6A-related disorders. Last evaluated: 2018-12-12. Review status: criteria provided, single submitter. Criteria: ACMG Guidelines, 2015. Collection method: clinical testing. Allele origin: germline. Affected: yes. Observed: 2 variant alleles.

Department of Clinical Genetics, Copenhagen University Hospital, Rigshospitalet
Classification: Likely pathogenic for Retinitis pigmentosa. Last evaluated: 2018-04-01. Review status: no assertion criteria provided. Collection method: research. Allele origin: unknown. Affected: yes. Study: VeluxRD. Not counted in ClinVar's aggregate classification.

Literature cited by the submitters: PubMed 16199547 (cited by Labcorp Genetics (formerly Invitae), Labcorp); PubMed 7493036 (cited by Labcorp Genetics (formerly Invitae), Labcorp); PubMed 22128245 (cited by Labcorp Genetics (formerly Invitae), Labcorp); PubMed 23847139 (cited by Labcorp Genetics (formerly Invitae), Labcorp); PubMed 26806561 (cited by Labcorp Genetics (formerly Invitae), Labcorp); PubMed 30718709 (cited by Labcorp Genetics (formerly Invitae), Labcorp and Department of Clinical Genetics, Copenhagen University Hospital, Rigshospitalet).